The following is an entry in ClinVar:

NM_001134363.3(RBM20):c.3440G>C (p.Ser1147Thr)

Gene: RBM20 (RNA binding motif protein 20; plus strand). Cytogenetic location: 10q25.2.
Variant type: single nucleotide variant.
Coding change: c.3440G>C on transcript NM_001134363.3 (MANE Select); coding-DNA position 3440, G replaced by C.
Protein change: p.Ser1147Thr; replaces serine 1147 with threonine.
Molecular consequence: missense variant.
Genome position (GRCh38, 1-based): chr10:110,823,603, G>C. VCF-style: chr10-110823603-G-C. GRCh37 (hg19) VCF-style: chr10-112583361-G-C.
Other names: c.3440G>C (NM_001134363.1); short protein forms S1147T.
Identifiers: ClinVar variation 470610 (VCV000470610.9), dbSNP rs542392971, ClinGen allele CA213231110.

ClinVar aggregate classification (germline): Uncertain significance. Review status: criteria provided, multiple submitters, no conflicts (2 of 4 stars). 2 submissions from 2 submitters: Uncertain significance (2). Last evaluated 2023-12-24.

Conditions:
Dilated cardiomyopathy 1DD (CMD1DD). Identifiers: Orphanet 154, MedGen C2750995, MONDO:0013168, OMIM 613172.
Cardiovascular phenotype. Identifiers: MedGen CN230736.

Allele frequency attached by ClinVar (database versions not stated): gnomAD 0.00001 and 0.00002; TOPMed 0.00001; 1000 Genomes Project 30x 0.00016; 1000 Genomes Project 0.00020.
gnomAD v4.1: 3 of 1,551,508 alleles (0.00019%); highest among the groups gnomAD compares: African/African-American, 0.0041%; no homozygotes.

Submissions (2):

Ambry Genetics
Classification: Uncertain significance for Cardiovascular phenotype. Last evaluated: 2023-12-24. Review status: criteria provided, single submitter. Criteria: Ambry Variant Classification Scheme 2023. Collection method: clinical testing. Allele origin: germline.
Comment: The p.S1147T variant (also known as c.3440G>C), located in coding exon 12 of the RBM20 gene, results from a G to C substitution at nucleotide position 3440. The serine at codon 1147 is replaced by threonine, an amino acid with similar properties. This amino acid position is conserved. In addition, this alteration is predicted to be tolerated by in silico analysis. Since supporting evidence is limited at this time, the clinical significance of this alteration remains unclear.

Labcorp Genetics (formerly Invitae), Labcorp
Classification: Uncertain significance for Dilated cardiomyopathy 1DD. Last evaluated: 2022-05-21. Review status: criteria provided, single submitter. Criteria: Invitae Variant Classification Sherloc (09022015). Collection method: clinical testing. Allele origin: germline.
Comment: This sequence change replaces serine, which is neutral and polar, with threonine, which is neutral and polar, at codon 1147 of the RBM20 protein (p.Ser1147Thr). This variant is not present in population databases (gnomAD no frequency). This variant has not been reported in the literature in individuals affected with RBM20-related conditions. ClinVar contains an entry for this variant (Variation ID: 470610). Advanced modeling of protein sequence and biophysical properties (such as structural, functional, and spatial information, amino acid conservation, physicochemical variation, residue mobility, and thermodynamic stability) performed at Invitae indicates that this missense variant is not expected to disrupt RBM20 protein function. In summary, the available evidence is currently insufficient to determine the role of this variant in disease. Therefore, it has been classified as a Variant of Uncertain Significance.